The following is an entry in ClinVar:

ClinVar aggregate classification (germline): Uncertain significance (1 of 4 stars; one submission).

Conditions:
Kabuki syndrome. Also called: NIIKAWA-KUROKI SYNDROME; Kabuki make-up syndrome. Identifiers: Orphanet 2322, MedGen C0796004, MONDO:0016512.

Allele frequency attached by ClinVar (database versions not stated): gnomAD exomes below 0.00001.
gnomAD v4.1: 1 of 1,613,850 alleles (0.000062%); highest among the groups gnomAD compares: Non-Finnish European, 0.000085%; no homozygotes.

Submission:

Labcorp Genetics (formerly Invitae), Labcorp
Classification: Uncertain significance for Kabuki syndrome. Last evaluated: 2023-01-09. Review status: criteria provided, single submitter. Criteria: Invitae Variant Classification Sherloc (09022015). Collection method: clinical testing. Allele origin: germline.
Comment: In summary, the available evidence is currently insufficient to determine the role of this variant in disease. Therefore, it has been classified as a Variant of Uncertain Significance. Advanced modeling of protein sequence and biophysical properties (such as structural, functional, and spatial information, amino acid conservation, physicochemical variation, residue mobility, and thermodynamic stability) performed at Invitae indicates that this missense variant is not expected to disrupt KMT2D protein function. This variant has not been reported in the literature in individuals affected with KMT2D-related conditions. This variant is not present in population databases (gnomAD no frequency). This sequence change replaces lysine, which is basic and polar, with asparagine, which is neutral and polar, at codon 2548 of the KMT2D protein (p.Lys2548Asn).

NM_003482.4(KMT2D):c.7644G>T (p.Lys2548Asn)

Gene: KMT2D (lysine methyltransferase 2D; minus strand). Cytogenetic location: 12q13.12.
Variant type: single nucleotide variant.
Coding change: c.7644G>T on transcript NM_003482.4 (MANE Select); coding-DNA position 7644, G replaced by T.
Protein change: p.Lys2548Asn; replaces lysine 2548 with asparagine.
Molecular consequence: missense variant.
Genome position (GRCh38, 1-based): chr12:49,040,126, C>A on the plus strand (G>T on the coding strand, the complement: KMT2D is on the minus strand). VCF-style: chr12-49040126-C-A. GRCh37 (hg19) VCF-style: chr12-49433909-C-A.
Other names: short protein forms K2548N.
Identifiers: ClinVar variation 2827319 (VCV002827319.3), dbSNP rs2498395545, ClinGen allele CA384747291.